The following is an entry in ClinVar:

NM_001257293.2(HNRNPH1):c.731A>G (p.Asp244Gly)

Genes: HNRNPH1 (heterogeneous nuclear ribonucleoprotein H1; minus strand), LOC128966623 (uncharacterized LOC128966623; plus strand). Cytogenetic location: 5q35.3.
Variant type: single nucleotide variant.
Coding change: c.731A>G on transcript NM_001257293.2 (MANE Select); coding-DNA position 731, A replaced by G.
Protein change: p.Asp244Gly; replaces aspartic acid 244 with glycine.
Molecular consequence: missense variant. On other transcripts: intron variant (1).
Genome position (GRCh38, 1-based): chr5:179,618,045, T>C on the plus strand (A>G on the coding strand, the complement: HNRNPH1 is on the minus strand). VCF-style: chr5-179618045-T-C. GRCh37 (hg19) VCF-style: chr5-179045046-T-C.
Other names: c.731A>G, p.Asp244Gly (NM_001363572.2, NM_001364225.2, NM_001364226.2 and 36 more transcripts); c.575A>G, p.Asp192Gly (NM_001364250.2); c.128A>G, p.Asp43Gly (NM_001364251.2, NM_001364252.2, NM_001364253.2 and 4 more transcripts); c.500A>G, p.Asp167Gly (NM_001395190.1); c.413A>G, p.Asp138Gly (NM_001395191.1, NM_001395192.1); c.398-134A>G (NM_001395193.1); short protein forms D138G, D167G, D192G, D244G, D43G.
Identifiers: ClinVar variation 3359759 (VCV003359759.1).

ClinVar aggregate classification (germline): Uncertain significance (1 of 4 stars; one submission).

gnomAD v4.1: 6 of 1,614,122 alleles (0.00037%); highest among the groups gnomAD compares: Non-Finnish European, 0.00051%; no homozygotes.

Submission:

GeneDx
Classification: Uncertain significance. Last evaluated: 2023-06-15. Review status: criteria provided, single submitter. Criteria: GeneDx Variant Classification Process June 2021. Collection method: clinical testing. Allele origin: germline. Affected: yes.
Comment: Not observed at significant frequency in large population cohorts (gnomAD); In silico analysis supports that this missense variant has a deleterious effect on protein structure/function; Has not been previously published as pathogenic or benign to our knowledge